The following is an entry in ClinVar:

ClinVar aggregate classification (germline): Likely benign. Review status: criteria provided, single submitter (1 of 4 stars). 2 submissions from 2 submitters: Likely benign (1). 1 of the submissions does not count toward it. Last evaluated 2024-07-09.

Conditions:
SETD2-related disorder.
Luscan-Lumish syndrome. Identifiers: Orphanet 597738, MedGen C4085873, MONDO:0014791, OMIM 616831.

Allele frequency attached by ClinVar (database versions not stated): gnomAD exomes 0.00009 and 0.00025; ExAC 0.00027; ESP Exome Variant Server 0.00069; 1000 Genomes Project 30x 0.00078; gnomAD 0.00098 and 0.00110; 1000 Genomes Project 0.00100; TOPMed 0.00120.
gnomAD v4.1: 284 of 1,606,882 alleles (0.018%); highest among the groups gnomAD compares: African/African-American, 0.34%; no homozygotes.

Submissions (2):

Labcorp Genetics (formerly Invitae), Labcorp
Classification: Likely benign for Luscan-Lumish syndrome. Last evaluated: 2024-07-09. Review status: criteria provided, single submitter. Criteria: Invitae Variant Classification Sherloc (09022015). Collection method: clinical testing. Allele origin: germline.

PreventionGenetics, part of Exact Sciences
Classification: Likely benign for SETD2-related condition. Last evaluated: 2024-03-14. Review status: no assertion criteria provided. Collection method: clinical testing. Allele origin: germline. Not counted in ClinVar's aggregate classification.
Comment: This variant is classified as likely benign based on ACMG/AMP sequence variant interpretation guidelines (Richards et al. 2015 PMID: 25741868, with internal and published modifications).

NM_014159.7(SETD2):c.6109A>G (p.Thr2037Ala)

Gene: SETD2 (SET domain containing 2, histone lysine methyltransferase; minus strand). Cytogenetic location: 3p21.31.
Variant type: single nucleotide variant.
Coding change: c.6109A>G on transcript NM_014159.7 (MANE Select); coding-DNA position 6109, A replaced by G.
Protein change: p.Thr2037Ala; replaces threonine 2037 with alanine.
Molecular consequence: missense variant. On other transcripts: non-coding transcript variant (1).
Genome position (GRCh38, 1-based): chr3:47,067,070, T>C on the plus strand (A>G on the coding strand, the complement: SETD2 is on the minus strand). VCF-style: chr3-47067070-T-C. GRCh37 (hg19) VCF-style: chr3-47108560-T-C.
Other names: c.5977A>G, p.Thr1993Ala (NM_001349370.3); short protein forms T2037A, T1993A.
Identifiers: ClinVar variation 475529 (VCV000475529.12), dbSNP rs113798770, ClinGen allele CA2362800.